The following is an entry in ClinVar:

ClinVar aggregate classification (germline): Likely benign. Review status: criteria provided, multiple submitters, no conflicts (2 of 4 stars). 2 submissions from 2 submitters: Likely benign (2). Last evaluated 2025-11-06.

Conditions:
Aortic aneurysm, familial thoracic 4 (AAT4). Also called: AORTIC ANEURYSM/AORTIC DISSECTION AND PATENT DUCTUS ARTERIOSUS. Identifiers: MedGen C1851504, MONDO:0007568, OMIM 132900.

Allele frequency attached by ClinVar (database versions not stated): gnomAD exomes below 0.00001; ExAC 0.00001.
gnomAD v4.1: 3 of 1,614,204 alleles (0.00019%); highest among the groups gnomAD compares: South Asian, 0.0033%; no homozygotes.

Submissions (2):

Labcorp Genetics (formerly Invitae), Labcorp
Classification: Likely benign for Aortic aneurysm, familial thoracic 4. Last evaluated: 2025-11-06. Review status: criteria provided, single submitter. Criteria: Invitae Variant Classification Sherloc (09022015). Collection method: clinical testing. Allele origin: germline.

CeGaT Center for Human Genetics Tuebingen
Classification: Likely benign. Last evaluated: 2022-03-01. Review status: criteria provided, single submitter. Criteria: CeGaT Center For Human Genetics Tuebingen Variant Classification Criteria Version 2. Collection method: clinical testing. Allele origin: germline. Affected: yes. Observed: 1 variant allele.
Comment: MYH11: BP4, BP7

NM_002474.3(MYH11):c.4071G>A (p.Glu1357=)

Genes: MYH11 (myosin heavy chain 11; minus strand), NDE1 (nudE neurodevelopment protein 1; plus strand). Cytogenetic location: 16p13.11.
Variant type: single nucleotide variant.
Coding change: c.4071G>A on transcript NM_002474.3 (MANE Select); coding-DNA position 4071, G replaced by A.
Protein change: p.Glu1357=; no amino-acid change (glutamic acid 1357 retained).
Molecular consequence: synonymous variant. On other transcripts: 3 prime UTR variant (2).
Genome position (GRCh38, 1-based): chr16:15,724,692, C>T on the plus strand (G>A on the coding strand, the complement: MYH11 is on the minus strand). VCF-style: chr16-15724692-C-T. GRCh37 (hg19) VCF-style: chr16-15818549-C-T.
Other names: c.4092G>A, p.Glu1364= (NM_001040113.2, NM_001040114.2); c.4071G>A, p.Glu1357= (NM_022844.3); c.*441C>T (NM_001143979.2, NM_017668.3).
Identifiers: ClinVar variation 2646255 (VCV002646255.27), dbSNP rs771064336, ClinGen allele CA7921794.